The following is an entry in ClinVar:

ClinVar aggregate classification (germline): Uncertain significance (1 of 4 stars; one submission).

Allele frequency attached by ClinVar (database versions not stated): ExAC 0.00001; gnomAD exomes 0.00002; TOPMed 0.00003; gnomAD 0.00005.
gnomAD v4.1: 22 of 1,606,334 alleles (0.0014%); highest among the groups gnomAD compares: African/African-American, 0.025%; no homozygotes.

Submission:

Labcorp Genetics (formerly Invitae), Labcorp
Classification: Uncertain significance. Last evaluated: 2021-11-04. Review status: criteria provided, single submitter. Criteria: Invitae Variant Classification Sherloc (09022015). Collection method: clinical testing. Allele origin: germline.
Comment: This sequence change replaces alanine, which is neutral and non-polar, with threonine, which is neutral and polar, at codon 201 of the SLC24A5 protein (p.Ala201Thr). In summary, the available evidence is currently insufficient to determine the role of this variant in disease. Therefore, it has been classified as a Variant of Uncertain Significance. Algorithms developed to predict the effect of missense changes on protein structure and function output the following: SIFT: "Tolerated"; PolyPhen-2: "Benign"; Align-GVGD: "Class C0". The threonine amino acid residue is found in multiple mammalian species, which suggests that this missense change does not adversely affect protein function. This variant has not been reported in the literature in individuals affected with SLC24A5-related conditions. This variant is present in population databases (rs751738556, gnomAD 0.03%).

NM_205850.3(SLC24A5):c.601G>A (p.Ala201Thr)

Genes: MYEF2 (myelin expression factor 2; minus strand), SLC24A5 (solute carrier family 24 member 5; plus strand). Cytogenetic location: 15q21.1.
Variant type: single nucleotide variant.
Coding change: c.601G>A on transcript NM_205850.3 (MANE Select); coding-DNA position 601, G replaced by A.
Protein change: p.Ala201Thr; replaces alanine 201 with threonine.
Molecular consequence: missense variant. On other transcripts: 3 prime UTR variant (2).
Genome position (GRCh38, 1-based): chr15:48,136,693, G>A. VCF-style: chr15-48136693-G-A. GRCh37 (hg19) VCF-style: chr15-48428890-G-A.
Other names: c.*6215C>T (NM_001301210.2, NM_016132.5); short protein forms A201T.
Identifiers: ClinVar variation 1403699 (VCV001403699.4), dbSNP rs751738556, ClinGen allele CA7545927.